The following is an entry in ClinVar:

ClinVar aggregate classification (germline): Uncertain significance. Review status: criteria provided, single submitter (1 of 4 stars). 2 submissions from 2 submitters: Uncertain significance (1). 1 of the submissions does not count toward it. Last evaluated 2024-03-28.

Conditions:
RECQL4-related disorder. Also called: RECQL4-related condition; RECQL4-related disorders.
Baller-Gerold syndrome (BGS). Also called: CRANIOSYNOSTOSIS WITH RADIAL DEFECTS. Identifiers: Orphanet 1225, MedGen C0265308, MONDO:0009039, OMIM 218600.

Allele frequency attached by ClinVar (database versions not stated): gnomAD exomes 0.00001 and 0.00002; TOPMed 0.00001; ExAC 0.00002; gnomAD 0.00002; ESP Exome Variant Server 0.00008.
gnomAD v4.1: 20 of 1,569,578 alleles (0.0013%); highest among the groups gnomAD compares: Non-Finnish European, 0.0016%; no homozygotes.

Submissions (2):

Labcorp Genetics (formerly Invitae), Labcorp
Classification: Uncertain significance for Baller-Gerold syndrome. Last evaluated: 2024-03-28. Review status: criteria provided, single submitter. Criteria: Invitae Variant Classification Sherloc (09022015). Collection method: clinical testing. Allele origin: germline.
Comment: This sequence change replaces histidine, which is basic and polar, with tyrosine, which is neutral and polar, at codon 831 of the RECQL4 protein (p.His831Tyr). This variant is present in population databases (rs370432468, gnomAD 0.005%). This variant has not been reported in the literature in individuals affected with RECQL4-related conditions. ClinVar contains an entry for this variant (Variation ID: 407021). Advanced modeling of protein sequence and biophysical properties (such as structural, functional, and spatial information, amino acid conservation, physicochemical variation, residue mobility, and thermodynamic stability) performed at Invitae indicates that this missense variant is not expected to disrupt RECQL4 protein function with a negative predictive value of 80%. In summary, the available evidence is currently insufficient to determine the role of this variant in disease. Therefore, it has been classified as a Variant of Uncertain Significance.

PreventionGenetics, part of Exact Sciences
Classification: Uncertain significance for RECQL4-related condition. Last evaluated: 2023-12-28. Review status: no assertion criteria provided. Collection method: clinical testing. Allele origin: germline. Not counted in ClinVar's aggregate classification.
Comment: The RECQL4 c.2491C>T variant is predicted to result in the amino acid substitution p.His831Tyr. To our knowledge, this variant has not been reported in the literature. This variant is reported in 0.0046% of alleles in individuals of European (Non-Finnish) descent in gnomAD. In the ClinVar database, this variant has been classified as 'uncertain' by at least one outside laboratory. At this time, the clinical significance of this variant is uncertain due to the absence of conclusive functional and genetic evidence.

NM_004260.4(RECQL4):c.2491C>T (p.His831Tyr)

Gene: RECQL4 (RecQ like helicase 4; minus strand). Cytogenetic location: 8q24.3.
Variant type: single nucleotide variant.
Coding change: c.2491C>T on transcript NM_004260.4 (MANE Select); coding-DNA position 2491, C replaced by T.
Protein change: p.His831Tyr; replaces histidine 831 with tyrosine.
Molecular consequence: missense variant.
Genome position (GRCh38, 1-based): chr8:144,513,111, G>A on the plus strand (C>T on the coding strand, the complement: RECQL4 is on the minus strand). VCF-style: chr8-144513111-G-A. GRCh37 (hg19) VCF-style: chr8-145738494-G-A.
Other names: short protein forms H831Y.
Identifiers: ClinVar variation 407021 (VCV000407021.10), dbSNP rs370432468, ClinGen allele CA4948217.